The following is an entry in ClinVar:

NM_006514.4(SCN10A):c.585C>T (p.Ser195=)

Gene: SCN10A (sodium voltage-gated channel alpha subunit 10; minus strand). Cytogenetic location: 3p22.2.
Variant type: single nucleotide variant.
Coding change: c.585C>T on transcript NM_006514.4 (MANE Select); coding-DNA position 585, C replaced by T.
Protein change: p.Ser195=; no amino-acid change (serine 195 retained).
Molecular consequence: synonymous variant.
Genome position (GRCh38, 1-based): chr3:38,771,293, G>A on the plus strand (C>T on the coding strand, the complement: SCN10A is on the minus strand). VCF-style: chr3-38771293-G-A. GRCh37 (hg19) VCF-style: chr3-38812784-G-A.
Other names: c.585C>T, p.Ser195= (NM_001293306.2, NM_001293307.2).
Identifiers: ClinVar variation 695372 (VCV000695372.13), dbSNP rs368232949, ClinGen allele CA2321159.
Genomic context (GRCh38, chr3:38,771,293, plus strand): 5'-TCCCCTCTCCTATCACACATGCAGATCTGCATAGAGATATACTCACGCCAGGGTAATGAC[G>A]CTAAAATCCAGCCAGTTCCAAGGATCTCTCAGGTACGTGAACTCATTTAGACAAAATCCT-3'
Protein context (NP_006505.4, residues 185-205): LRDPWNWLDF[Ser195=]VITLAYVGTA

ClinVar aggregate classification (germline): Conflicting classifications of pathogenicity. Review status: criteria provided, conflicting classifications (1 of 4 stars). 3 submissions from 3 submitters: Uncertain significance (1); Likely benign (2). Last evaluated 2026-02-14.

Conditions:
Cardiovascular phenotype. Identifiers: MedGen CN230736.
Brugada syndrome. Also called: Sudden unexpected nocturnal death syndrome; Sudden Unexplained Death Syndrome; Sudden Unexplained Nocturnal Death Syndrome (SUNDS); Sudden unexplained nocturnal death syndrome. Identifiers: Orphanet 130, MedGen C1142166, MONDO:0015263.
SCN10A-related disorder. Also called: SCN10A-related condition.

Allele frequency attached by ClinVar (database versions not stated): gnomAD exomes 0.00004 and 0.00006; ExAC 0.00010; gnomAD 0.00014; TOPMed 0.00014; ESP Exome Variant Server 0.00023; 1000 Genomes Project 30x 0.00031; 1000 Genomes Project 0.00040.
gnomAD v4.1: 87 of 1,613,952 alleles (0.0054%); highest among the groups gnomAD compares: African/African-American, 0.049%; no homozygotes.

Submissions (3):

PreventionGenetics, part of Exact Sciences
Classification: Uncertain significance for SCN10A-related condition. Last evaluated: 2026-02-14. Review status: criteria provided, single submitter. Criteria: ACMG Guidelines, 2015. Collection method: clinical testing. Allele origin: germline.
Comment: The SCN10A c.585C>T variant is not predicted to result in an amino acid change (p.=). This variant is predicted to impact splicing based on splicing prediction programs (SpliceAI, Jaganathan et al. 2019. PubMed ID: 30661751). To our knowledge, this variant has not been reported in the literature. This variant is reported in 0.044% of alleles in individuals of African descent in gnomAD. Although we suspect that this variant may be benign, at this time, the clinical significance of this variant is uncertain due to the absence of conclusive functional and genetic evidence.

Labcorp Genetics (formerly Invitae), Labcorp
Classification: Likely benign for Brugada syndrome. Last evaluated: 2026-01-31. Review status: criteria provided, single submitter. Criteria: Invitae Variant Classification Sherloc (09022015). Collection method: clinical testing. Allele origin: germline.

Ambry Genetics
Classification: Likely benign for Cardiovascular phenotype. Last evaluated: 2019-08-27. Review status: criteria provided, single submitter. Criteria: Ambry Variant Classification Scheme 2023. Collection method: clinical testing. Allele origin: germline.